The following is an entry in ClinVar:

ClinVar aggregate classification (germline): Uncertain significance. Review status: criteria provided, multiple submitters, no conflicts (2 of 4 stars). 2 submissions from 2 submitters: Uncertain significance (2). Last evaluated 2025-11-23.

Conditions:
Hereditary cancer-predisposing syndrome. Also called: Tumor predisposition; Hereditary neoplastic syndrome; Hereditary Cancer Syndrome; Neoplastic Syndromes, Hereditary. Identifiers: Orphanet 140162, MedGen C0027672, MeSH D009386, MONDO:0015356.

Submissions (2):

Labcorp Genetics (formerly Invitae), Labcorp
Classification: Uncertain significance. Last evaluated: 2025-11-23. Review status: criteria provided, single submitter. Criteria: Invitae Variant Classification Sherloc (09022015). Collection method: clinical testing. Allele origin: germline.
Comment: This sequence change replaces serine, which is neutral and polar, with arginine, which is basic and polar, at codon 1353 of the POLE protein (p.Ser1353Arg). This variant is not present in population databases (gnomAD no frequency). This variant has not been reported in the literature in individuals affected with POLE-related conditions. ClinVar contains an entry for this variant (Variation ID: 3935789). Invitae Evidence Modeling of protein sequence and biophysical properties (such as structural, functional, and spatial information, amino acid conservation, physicochemical variation, residue mobility, and thermodynamic stability) indicates that this missense variant is not expected to disrupt POLE protein function with a negative predictive value of 80%. In summary, the available evidence is currently insufficient to determine the role of this variant in disease. Therefore, it has been classified as a Variant of Uncertain Significance.

Ambry Genetics
Classification: Uncertain significance for Hereditary cancer-predisposing syndrome. Last evaluated: 2025-06-07. Review status: criteria provided, single submitter. Criteria: Ambry Variant Classification Scheme 2023. Collection method: clinical testing. Allele origin: germline.
Comment: The p.S1353R variant (also known as c.4057A>C), located in coding exon 32 of the POLE gene, results from an A to C substitution at nucleotide position 4057. The serine at codon 1353 is replaced by arginine, an amino acid with dissimilar properties. This amino acid position is conserved. In addition, this alteration is predicted to be tolerated by in silico analysis. Based on the available evidence, the clinical significance of this variant remains unclear.

NM_006231.4(POLE):c.4057A>C (p.Ser1353Arg)

Gene: POLE (DNA polymerase epsilon, catalytic subunit; minus strand). Cytogenetic location: 12q24.33.
Variant type: single nucleotide variant.
Coding change: c.4057A>C on transcript NM_006231.4 (MANE Select); coding-DNA position 4057, A replaced by C.
Protein change: p.Ser1353Arg; replaces serine 1353 with arginine.
Molecular consequence: missense variant.
Genome position (GRCh38, 1-based): chr12:132,649,021, T>G on the plus strand (A>C on the coding strand, the complement: POLE is on the minus strand). VCF-style: chr12-132649021-T-G. GRCh37 (hg19) VCF-style: chr12-133225607-T-G.
Other names: short protein forms S1353R.
Identifiers: ClinVar variation 3935789 (VCV003935789.2).